The following is an entry in ClinVar:

NM_004370.6(COL12A1):c.3449G>C (p.Gly1150Ala)

Gene: COL12A1 (collagen type XII alpha 1 chain; minus strand). Cytogenetic location: 6q13.
Variant type: single nucleotide variant.
Coding change: c.3449G>C on transcript NM_004370.6 (MANE Select); coding-DNA position 3449, G replaced by C.
Protein change: p.Gly1150Ala; replaces glycine 1150 with alanine.
Molecular consequence: missense variant. On other transcripts: intron variant (2).
Genome position (GRCh38, 1-based): chr6:75,154,532, C>G on the plus strand (G>C on the coding strand, the complement: COL12A1 is on the minus strand). VCF-style: chr6-75154532-C-G. GRCh37 (hg19) VCF-style: chr6-75864248-C-G.
Other names: c.3449G>C, p.Gly1150Ala (NM_001424113.1, NM_001424114.1); c.3176G>C, p.Gly1059Ala (NM_001424115.1); c.74-2050G>C (NM_001424116.1, NM_080645.3); short protein forms G1059A, G1150A.
Identifiers: ClinVar variation 4790043 (VCV004790043.1).
Genomic context (GRCh38, chr6:75,154,532, plus strand): 5'-ACAAGTGGTGAGCTTTCTCCTCCATCAAACATTCCAAAAACATTTACTTTATAGGTGGTA[C>G]CAGCCCTAAAATGTTAAAGTATATATATAGCCTGTGAGAACCATAGGCTCAAGTGGTAGC-3'
Protein context (NP_004361.3, residues 1140-1160): NTVVLEELRA[Gly1150Ala]TTYKVNVFGM

ClinVar aggregate classification (germline): Uncertain significance (1 of 4 stars; one submission).

Conditions:
Ullrich congenital muscular dystrophy 2 (UCMD2). Identifiers: Orphanet 75840, MedGen C4225314, MONDO:0014654, OMIM 616470.
Bethlem myopathy 2 (BTHLM2). Identifiers: Orphanet 536516, Orphanet 610, MedGen C4225313, MONDO:0034022, OMIM 616471.

Submission:

Labcorp Genetics (formerly Invitae), Labcorp
Classification: Uncertain significance for Bethlem myopathy 2; Ullrich congenital muscular dystrophy 2. Last evaluated: 2025-07-08. Review status: criteria provided, single submitter. Criteria: Invitae Variant Classification Sherloc (09022015). Collection method: clinical testing. Allele origin: germline.
Comment: This sequence change replaces glycine, which is neutral and non-polar, with alanine, which is neutral and non-polar, at codon 1150 of the COL12A1 protein (p.Gly1150Ala). This variant is not present in population databases (gnomAD no frequency). This variant has not been reported in the literature in individuals affected with COL12A1-related conditions. Invitae Evidence Modeling of protein sequence and biophysical properties (such as structural, functional, and spatial information, amino acid conservation, physicochemical variation, residue mobility, and thermodynamic stability) indicates that this missense variant is not expected to disrupt COL12A1 protein function with a negative predictive value of 80%. In summary, the available evidence is currently insufficient to determine the role of this variant in disease. Therefore, it has been classified as a Variant of Uncertain Significance.